The following is an entry in ClinVar:

ClinVar aggregate classification (germline): Uncertain significance. Review status: criteria provided, multiple submitters, no conflicts (2 of 4 stars). 2 submissions from 2 submitters: Uncertain significance (2). Last evaluated 2026-02-01.

Conditions:
ZNF41-related disorder. Also called: ZNF41-related condition.

Allele frequency attached by ClinVar (database versions not stated): gnomAD exomes below 0.00001; gnomAD 0.00001.
gnomAD v4.1: 3 of 1,210,188 alleles (0.00025%); highest among the groups gnomAD compares: East Asian, 0.003%; no homozygotes.

Submissions (2):

PreventionGenetics, part of Exact Sciences
Classification: Uncertain significance for ZNF41-related condition. Last evaluated: 2026-02-01. Review status: criteria provided, single submitter. Criteria: ACMG Guidelines, 2015. Collection method: clinical testing. Allele origin: germline.
Comment: The ZNF41 c.1160A>G variant is predicted to result in the amino acid substitution p.Glu387Gly. To our knowledge, this variant has not been reported in the literature or in a large population database (gnomAD), indicating this variant is rare. At this time, the clinical significance of this variant is uncertain due to the absence of conclusive functional and genetic evidence.

Ambry Genetics
Classification: Uncertain significance. Last evaluated: 2023-02-28. Review status: criteria provided, single submitter. Criteria: Ambry Variant Classification Scheme 2023. Collection method: clinical testing. Allele origin: germline.

NM_001324144.2(ZNF41):c.1160A>G (p.Glu387Gly)

Gene: ZNF41 (zinc finger protein 41; minus strand). Cytogenetic location: Xp11.3.
Variant type: single nucleotide variant.
Coding change: c.1160A>G on transcript NM_001324144.2 (MANE Select); coding-DNA position 1160, A replaced by G.
Protein change: p.Glu387Gly; replaces glutamic acid 387 with glycine.
Molecular consequence: missense variant.
Genome position (GRCh38, 1-based): chrX:47,448,610, T>C on the plus strand (A>G on the coding strand, the complement: ZNF41 is on the minus strand). VCF-style: chrX-47448610-T-C. GRCh37 (hg19) VCF-style: chrX-47308009-T-C.
Other names: c.902A>G, p.Glu301Gly (NM_001324143.2, NM_001324145.2, NM_001324149.2 and 3 more transcripts); c.1160A>G, p.Glu387Gly (NM_001324147.2, NM_001324150.2, NM_001324140.2 and 2 more transcripts); c.1166A>G, p.Glu389Gly (NM_001324148.2, NM_001324142.2); c.1190A>G, p.Glu397Gly (NM_001324151.2, NM_001324153.2); c.1262A>G, p.Glu421Gly (NM_001324154.1); c.1286A>G, p.Glu429Gly (NM_001324155.1); c.1058A>G, p.Glu353Gly (NM_001324156.1); c.1052A>G, p.Glu351Gly (NM_001324157.1); short protein forms E353G, E397G, E351G, E421G, E387G, E389G, E301G, E429G.
Identifiers: ClinVar variation 2490278 (VCV002490278.3), dbSNP rs2056225514, ClinGen allele CA413055619.